The following is an entry in ClinVar:

ClinVar aggregate classification (germline): Conflicting classifications of pathogenicity. Review status: criteria provided, conflicting classifications (1 of 4 stars). 2 submissions from 2 submitters: Likely pathogenic (1); Uncertain significance (1). Last evaluated 2025-07-17.

Conditions:
Hereditary cancer-predisposing syndrome. Also called: Hereditary Cancer Syndrome; Neoplastic Syndromes, Hereditary; Tumor predisposition; Hereditary neoplastic syndrome. Identifiers: Orphanet 140162, MedGen C0027672, MeSH D009386, MONDO:0015356.
Familial cancer of breast. Also called: BREAST CANCER, FAMILIAL; Hereditary breast cancer; hereditary breast carcinoma. Identifiers: Orphanet 227535, MedGen C0346153, MONDO:0016419, OMIM 114480. Disease mechanism: loss of function.
Fanconi anemia complementation group J. Also called: BRIP1-Related Fanconi Anemia. Identifiers: Orphanet 84, MedGen C1836860, MONDO:0012187, OMIM 609054.

Submissions (2):

Labcorp Genetics (formerly Invitae), Labcorp
Classification: Uncertain significance for Familial cancer of breast; Fanconi anemia complementation group J. Last evaluated: 2025-07-17. Review status: criteria provided, single submitter. Criteria: Invitae Variant Classification Sherloc (09022015). Collection method: clinical testing. Allele origin: germline.
Comment: This sequence change creates a premature translational stop signal (p.Lys1078*) in the BRIP1 gene. While this is not anticipated to result in nonsense mediated decay, it is expected to disrupt the last 172 amino acid(s) of the BRIP1 protein. This variant is not present in population databases (gnomAD no frequency). This variant has not been reported in the literature in individuals affected with BRIP1-related conditions. ClinVar contains an entry for this variant (Variation ID: 186406). Algorithms developed to predict the effect of sequence changes on RNA splicing suggest that this variant may create or strengthen a splice site. In summary, the available evidence is currently insufficient to determine the role of this variant in disease. Therefore, it has been classified as a Variant of Uncertain Significance.

Ambry Genetics
Classification: Likely pathogenic for Hereditary cancer-predisposing syndrome. Last evaluated: 2014-10-14. Review status: criteria provided, single submitter. Criteria: Ambry General Variant Classification Scheme_2022. Collection method: clinical testing. Allele origin: germline. Observed: 1 variant allele.
Comment: The p.K1078* variant, (also known as c.3232A>T) located in coding exon 19 of the BRIP1 gene, results from an A to T substitution at nucleotide position 3232. This changes the amino acid at codon 1078 from a lysine to a stop codon. Premature stop codons are typically deleterious in nature, however, this stop codon occurs at the 3' terminus of BRIP1, is not expected to trigger nonsense-mediated mRNA decay, and removes the last 171 amino acids of the protein. The exact functional impact of these removed amino acids is unknown at this time; however, the C-terminal region of the protein has been shown by structural, biochemical, and mutational analysis to be relevant for the protein function (Leung CC et al. J. Biol. Chem. 2011 Feb; 286(6):4292-301. Xie J et al. PLoS Genet. 2012 Jul; 8(7):e1002786; Gong Z et al. Mol. Cell, 2010 Feb;37:438-46). Based on the majority of available evidence to date, this variant is likely to be pathogenic.

Literature cited by the submitters: PubMed 20159562 (cited by Ambry Genetics); PubMed 20616022 (cited by Ambry Genetics); PubMed 21127055 (cited by Ambry Genetics); PubMed 22792074 (cited by Ambry Genetics).

NM_032043.3(BRIP1):c.3232A>T (p.Lys1078Ter)

Gene: BRIP1 (BRCA1 interacting DNA helicase 1; minus strand). Cytogenetic location: 17q23.2.
Variant type: single nucleotide variant.
Coding change: c.3232A>T on transcript NM_032043.3 (MANE Select); coding-DNA position 3232, A replaced by T.
Protein change: p.Lys1078Ter; replaces lysine 1078 with a stop codon.
Molecular consequence: nonsense.
Genome position (GRCh38, 1-based): chr17:61,683,814, T>A on the plus strand (A>T on the coding strand, the complement: BRIP1 is on the minus strand). VCF-style: chr17-61683814-T-A. GRCh37 (hg19) VCF-style: chr17-59761175-T-A.
Other names: short protein forms K1078*.
Identifiers: ClinVar variation 186406 (VCV000186406.11), dbSNP rs786202927, ClinGen allele CA194731.